The following is an entry in ClinVar:

ClinVar aggregate classification (germline): Uncertain significance (1 of 4 stars; one submission).

gnomAD v4.1: 3 of 1,197,167 alleles (0.00025%); highest among the groups gnomAD compares: South Asian, 0.0018%; no homozygotes.

Submission:

GeneDx
Classification: Uncertain significance. Last evaluated: 2024-03-07. Review status: criteria provided, single submitter. Criteria: GeneDx Variant Classification Process June 2021. Collection method: clinical testing. Allele origin: germline. Affected: yes.
Comment: Not observed at significant frequency in large population cohorts (gnomAD); In silico analysis supports that this missense variant has a deleterious effect on protein structure/function; Has not been previously published as pathogenic or benign to our knowledge

NM_181303.2(NLGN3):c.2341C>A (p.His781Asn)

Gene: NLGN3 (neuroligin 3; plus strand). Cytogenetic location: Xq13.1.
Variant type: single nucleotide variant.
Coding change: c.2341C>A on transcript NM_181303.2 (MANE Select); coding-DNA position 2341, C replaced by A.
Protein change: p.His781Asn; replaces histidine 781 with asparagine.
Molecular consequence: missense variant.
Genome position (GRCh38, 1-based): chrX:71,169,891, C>A. VCF-style: chrX-71169891-C-A. GRCh37 (hg19) VCF-style: chrX-70389741-C-A.
Other names: c.2221C>A, p.His741Asn (NM_001166660.2); c.1930C>A, p.His644Asn (NM_001321276.2); c.2281C>A, p.His761Asn (NM_018977.4); short protein forms H644N, H741N, H761N, H781N.
Identifiers: ClinVar variation 3370696 (VCV003370696.1).
Genomic context (GRCh38, chrX:71,169,891, plus strand): 5'-GAGGAGCTGGCAGCATTACAACTGGGCCCCACCCACCACGAGTGTGAGGCCGGTCCCCCC[C>A]ATGACACGCTGCGCCTCACTGCATTGCCCGACTACACCCTGACCCTGCGGCGCTCCCCGG-3'
Protein context (NP_851820.1, residues 771-791): THHECEAGPP[His781Asn]DTLRLTALPD